The following is an entry in ClinVar:

ClinVar aggregate classification (germline): Benign/Likely benign. Review status: criteria provided, single submitter (1 of 4 stars). 2 submissions from 1 submitter: Benign (1); Likely benign (1). Last evaluated 2018-01-13.

Conditions:
Bronchiectasis with or without elevated sweat chloride 2 (BESC2). Identifiers: Orphanet 60033, MedGen C2751666, MONDO:0013087, OMIM 613021.
Pseudohypoaldosteronism, type IB1, autosomal recessive. Also called: Pseudohypoaldosteronism, Type I, Recessive; Autosomal recessive pseudohypoaldosteronism type 1; Pseudohypoaldosteronism, Type I, Autosomal Recessive; PHA I, AUTOSOMAL RECESSIVE. Identifiers: Orphanet 171876, Orphanet 756, MedGen C5774176, MONDO:0009917, OMIM 264350.

Allele frequency attached by ClinVar (database versions not stated): gnomAD 0.00019 and 0.00029; TOPMed 0.00026; gnomAD exomes 0.00084; 1000 Genomes Project 30x 0.00203; 1000 Genomes Project 0.00280.
gnomAD v4.1: 56 of 167,042 alleles (0.034%); highest among the groups gnomAD compares: East Asian, 0.92%; no homozygotes.

Submissions (2):

Illumina Laboratory Services, Illumina
Classification: Likely benign for Pseudohypoaldosteronism, type IB1, autosomal recessive. Last evaluated: 2018-01-13. Review status: criteria provided, single submitter. Criteria: ICSL Variant Classification Criteria 13 December 2019. Collection method: clinical testing. Allele origin: germline.
Comment: This variant was observed in the ICSL laboratory as part of a predisposition screen in an ostensibly healthy population. It had not been previously curated by ICSL or reported in the Human Gene Mutation Database (HGMD: prior to June 1st, 2018), and was therefore a candidate for classification through an automated scoring system. Utilizing variant allele frequency, disease prevalence and penetrance estimates, and inheritance mode, an automated score was calculated to assess if this variant is too frequent to cause the disease. Based on the score and internal cut-off values, a variant classified as likely benign is not then subjected to further curation. The score for this variant resulted in a classification of likely benign for this disease.

Illumina Laboratory Services, Illumina
Classification: Benign for Bronchiectasis with or without elevated sweat chloride 2. Last evaluated: 2018-01-13. Review status: criteria provided, single submitter. Criteria: ICSL Variant Classification Criteria 13 December 2019. Collection method: clinical testing. Allele origin: germline.
Comment: This variant was observed in the ICSL laboratory as part of a predisposition screen in an ostensibly healthy population. It had not been previously curated by ICSL or reported in the Human Gene Mutation Database (HGMD: prior to June 1st, 2018), and was therefore a candidate for classification through an automated scoring system. Utilizing variant allele frequency, disease prevalence and penetrance estimates, and inheritance mode, an automated score was calculated to assess if this variant is too frequent to cause the disease. Based on the score and internal cut-off values, a variant classified as benign is not then subjected to further curation. The score for this variant resulted in a classification of benign for this disease.

NM_001038.6(SCNN1A):c.*509T>G

Gene: SCNN1A (sodium channel epithelial 1 subunit alpha; minus strand). Cytogenetic location: 12p13.31.
Variant type: single nucleotide variant.
Coding change: c.*509T>G on transcript NM_001038.6 (MANE Select); 509 bases downstream of the stop codon, T replaced by G.
Molecular consequence: 3 prime UTR variant.
Genome position (GRCh38, 1-based): chr12:6,347,364, A>C on the plus strand (T>G on the coding strand, the complement: SCNN1A is on the minus strand). VCF-style: chr12-6347364-A-C. GRCh37 (hg19) VCF-style: chr12-6456530-A-C.
Other names: c.*509T>G (NM_001159575.2, NM_001159576.2).
Identifiers: ClinVar variation 883146 (VCV000883146.4), dbSNP rs150966071, ClinGen allele CA232342442.